The following is an entry in ClinVar:

NM_002485.5(NBN):c.158C>T (p.Ser53Phe)

Gene: NBN (nibrin; minus strand). Cytogenetic location: 8q21.3.
Variant type: single nucleotide variant.
Coding change: c.158C>T on transcript NM_002485.5 (MANE Select); coding-DNA position 158, C replaced by T.
Protein change: p.Ser53Phe; replaces serine 53 with phenylalanine.
Molecular consequence: missense variant. On other transcripts: 5 prime UTR variant (1).
Genome position (GRCh38, 1-based): chr8:89,982,735, G>A on the plus strand (C>T on the coding strand, the complement: NBN is on the minus strand). VCF-style: chr8-89982735-G-A. GRCh37 (hg19) VCF-style: chr8-90994963-G-A.
Other names: c.-139C>T (NM_001024688.3); short protein forms S53F.
Identifiers: ClinVar variation 233179 (VCV000233179.5), dbSNP rs876660243, ClinGen allele CA10578809.
Genomic context (GRCh38, chr8:89,982,735, plus strand): 5'-TTTCAACCCCCTTACTGGAAACTAGTGAAATAAAATTAGTAACATACCAGGTTGGTTACA[G>A]AAAAGTTAGCAGTTAACACAGCATGATTTCGGCTGATCGACTGATCATTTTCAATCAGAA-3'
Protein context (NP_002476.2, residues 43-63): RNHAVLTANF[Ser53Phe]VTNLSQTDEI

ClinVar aggregate classification (germline): Uncertain significance (1 of 4 stars; one submission).

Conditions:
Hereditary cancer-predisposing syndrome. Also called: Neoplastic Syndromes, Hereditary; Tumor predisposition; Hereditary Cancer Syndrome; Hereditary neoplastic syndrome. Identifiers: Orphanet 140162, MedGen C0027672, MeSH D009386, MONDO:0015356.

gnomAD v4.1: 1 of 1,613,952 alleles (0.000062%); highest among the groups gnomAD compares: Non-Finnish European, 0.000085%; no homozygotes.

Submission:

Ambry Genetics
Classification: Uncertain significance for Hereditary cancer-predisposing syndrome. Last evaluated: 2015-07-28. Review status: criteria provided, single submitter. Criteria: Ambry Variant Classification Scheme 2023. Collection method: clinical testing. Allele origin: germline.
Comment: The p.S53F variant (also known as c.158C>T), located in coding exon 2 of the NBN gene, results from a C to T substitution at nucleotide position 158. The serine at codon 53 is replaced by phenylalanine, an amino acid with highly dissimilar properties. This variant was not reported in population based cohorts in the following databases: Database of Single Nucleotide Polymorphisms (dbSNP), NHLBI Exome Sequencing Project (ESP), and 1000 Genomes Project. In the ESP, this variant was not observed in 6503 samples (13006 alleles) with coverage at this position. To date, this alteration has been detected with an allele frequency of approximately 0.002% (greater than 65000 alleles tested) in our clinical cohort. This amino acid position is not well conserved in available vertebrate species. In addition, this alteration is predicted to be tolerated by in silico analysis. Since supporting evidence is limited at this time, the clinical significance of p.S53F remains unclear.